The following is an entry in ClinVar:

ClinVar aggregate classification (germline): Likely benign. Review status: criteria provided, multiple submitters, no conflicts (2 of 4 stars). 3 submissions from 3 submitters: Likely benign (3). Last evaluated 2026-02-03.

Conditions:
Arrhythmogenic right ventricular dysplasia 12. Also called: ARRHYTHMOGENIC RIGHT VENTRICULAR DYSPLASIA, FAMILIAL, 12. Identifiers: MedGen C1969081, MONDO:0012684, OMIM 611528.
Naxos disease (NXD). Also called: CARDIOMYOPATHY, ARRHYTHMOGENIC RIGHT VENTRICULAR, WITH SKIN, HAIR, AND NAIL ABNORMALITIES; KERATOSIS PALMOPLANTARIS WITH ARRHYTHMOGENIC CARDIOMYOPATHY; MAL DE NAXOS; PALMOPLANTAR KERATODERMA WITH ARRHYTHMOGENIC RIGHT VENTRICULAR CARDIOMYOPATHY AND WOOLLY HAIR; WOOLLY HAIR, PALMOPLANTAR KERATODERMA, AND CARDIAC ABNORMALITIES. Identifiers: Orphanet 34217, MedGen C1832600, MONDO:0011017, OMIM 601214.

Allele frequency attached by ClinVar (database versions not stated): ExAC 0.00003; gnomAD 0.00003 and 0.00004; gnomAD exomes 0.00003; TOPMed 0.00003.
gnomAD v4.1: 55 of 1,612,842 alleles (0.0034%); highest among the groups gnomAD compares: African/African-American, 0.0053%; no homozygotes.

Submissions (3):

Labcorp Genetics (formerly Invitae), Labcorp
Classification: Likely benign for Arrhythmogenic right ventricular dysplasia 12; Naxos disease. Last evaluated: 2026-02-03. Review status: criteria provided, single submitter. Criteria: Invitae Variant Classification Sherloc (09022015). Collection method: clinical testing. Allele origin: germline.

Blueprint Genetics
Classification: Likely benign. Last evaluated: 2019-09-13. Review status: criteria provided, single submitter. Criteria: ACMG Guidelines, 2015. Collection method: clinical testing. Allele origin: germline.

Laboratory for Molecular Medicine, Mass General Brigham Personalized Medicine
Classification: Likely benign. Last evaluated: 2013-04-05. Review status: criteria provided, single submitter. Criteria: LMM Criteria. Collection method: clinical testing. Allele origin: germline. Observed: 1 variant allele.
Comment: 2086+14G>A in intron 13 of JUP: This variant is not expected to have clinical si gnificance because it is not located within the splice consensus sequence. 2086 +14G>A in intron 13 of JUP (allele frequency = n/a)

NM_002230.4(JUP):c.2086+14G>A

Gene: JUP (junction plakoglobin; minus strand). Cytogenetic location: 17q21.2.
Variant type: single nucleotide variant.
Coding change: c.2086+14G>A on transcript NM_002230.4 (MANE Select); 14 bases into the intron after coding-DNA position 2086, G replaced by A.
Molecular consequence: intron variant.
Genome position (GRCh38, 1-based): chr17:41,756,161, C>T on the plus strand (G>A on the coding strand, the complement: JUP is on the minus strand). VCF-style: chr17-41756161-C-T. GRCh37 (hg19) VCF-style: chr17-39912413-C-T.
Other names: c.2086+14G>A (NM_001352774.2, NM_021991.4, NM_001352776.2 and 3 more transcripts).
Identifiers: ClinVar variation 178841 (VCV000178841.12), dbSNP rs727504485, ClinGen allele CA183139.